The following is an entry in ClinVar:

NM_012418.4(FSCN2):c.49G>A (p.Val17Ile)

Gene: FSCN2 (fascin actin-bundling protein 2, retinal; plus strand). Cytogenetic location: 17q25.3.
Variant type: single nucleotide variant.
Coding change: c.49G>A on transcript NM_012418.4 (MANE Select); coding-DNA position 49, G replaced by A.
Protein change: p.Val17Ile; replaces valine 17 with isoleucine.
Molecular consequence: missense variant.
Genome position (GRCh38, 1-based): chr17:81,528,580, G>A. VCF-style: chr17-81528580-G-A. GRCh37 (hg19) VCF-style: chr17-79495606-G-A.
Other names: c.49G>A, p.Val17Ile (NM_001077182.3); short protein forms V17I.
Identifiers: ClinVar variation 100561 (VCV000100561.29), dbSNP rs137853900, ClinGen allele CA228879.

ClinVar aggregate classification (germline): Likely benign. Review status: criteria provided, multiple submitters, no conflicts (2 of 4 stars). 6 submissions from 6 submitters: Likely benign (4). 2 of the submissions do not count toward it. Last evaluated 2026-01-21.

Conditions:
Retinitis pigmentosa 30 (RP30). Identifiers: Orphanet 791, MedGen C1842816, MONDO:0011935, OMIM 607921.

Allele frequency attached by ClinVar (database versions not stated): 1000 Genomes Project 0.00120; 1000 Genomes Project 30x 0.00156; ESP Exome Variant Server 0.00207; TOPMed 0.00207; gnomAD exomes 0.00229 and 0.00349; gnomAD 0.00240 and 0.00244; ExAC 0.00341.
gnomAD v4.1: 5,390 of 1,608,570 alleles (0.34%); highest among the groups gnomAD compares: Non-Finnish European, 0.4%; 13 homozygotes.

Submissions (6):

Labcorp Genetics (formerly Invitae), Labcorp
Classification: Likely benign. Last evaluated: 2026-01-21. Review status: criteria provided, single submitter. Criteria: Invitae Variant Classification Sherloc (09022015). Collection method: clinical testing. Allele origin: germline.

CeGaT Center for Human Genetics Tuebingen
Classification: Likely benign. Last evaluated: 2025-01-01. Review status: criteria provided, single submitter. Criteria: CeGaT Center For Human Genetics Tuebingen Variant Classification Criteria Version 2. Collection method: clinical testing. Allele origin: germline. Affected: yes. Observed: 1 variant allele.
Comment: FSCN2: BP4, BS1

Fulgent Genetics
Classification: Likely benign for Retinitis pigmentosa 30. Last evaluated: 2022-02-28. Review status: criteria provided, single submitter. Criteria: ACMG Guidelines, 2015. Collection method: clinical testing. Allele origin: unknown.

Clinical Genetics DNA and cytogenetics Diagnostics Lab, Erasmus MC, Erasmus Medical Center
Classification: Likely benign for Retinitis pigmentosa 30. Last evaluated: 2015-12-09. Review status: criteria provided, single submitter. Criteria: ACGS Guidelines, 2013. Collection method: clinical testing. Allele origin: germline. Affected: yes. Study: VKGL Data-share Consensus.

Clinical Genetics, Academic Medical Center
Classification: Benign. Review status: no assertion criteria provided. Collection method: clinical testing. Allele origin: germline. Affected: yes. Study: VKGL Data-share Consensus. Not counted in ClinVar's aggregate classification.

NEI Ophthalmic Genomics Laboratory, National Institutes of Health
No classification provided. Review status: no classification provided. Collection method: not provided. Allele origin: not provided. Not counted in ClinVar's aggregate classification.